The following is an entry in ClinVar:

NM_022041.4(GAN):c.283-40G>T

Gene: GAN (gigaxonin; plus strand). Cytogenetic location: 16q23.2.
Variant type: single nucleotide variant.
Coding change: c.283-40G>T on transcript NM_022041.4 (MANE Select); 40 bases into the intron before coding-DNA position 283, G replaced by T.
Molecular consequence: intron variant.
Genome position (GRCh38, 1-based): chr16:81,354,365, G>T. VCF-style: chr16-81354365-G-T. GRCh37 (hg19) VCF-style: chr16-81387970-G-T.
Other names: c.-357-40G>T (NM_001377486.1).
Identifiers: ClinVar variation 675707 (VCV000675707.2), dbSNP rs117009369, ClinGen allele CA8191323.

ClinVar aggregate classification (germline): Likely benign. Review status: criteria provided, multiple submitters, no conflicts (2 of 4 stars). 2 submissions from 2 submitters: Likely benign (2). Last evaluated 2018-06-14.

Allele frequency attached by ClinVar (database versions not stated): 1000 Genomes Project 30x 0.00312; 1000 Genomes Project 0.00379; TOPMed 0.00809; gnomAD exomes 0.01024; gnomAD 0.01069 and 0.01101; ESP Exome Variant Server 0.01078; ExAC 0.01124.
gnomAD v4.1: 16,263 of 1,305,052 alleles (1.2%); highest among the groups gnomAD compares: Non-Finnish European, 1.5%; 148 homozygotes.

Submissions (2):

GeneDx
Classification: Likely benign. Last evaluated: 2018-06-14. Review status: criteria provided, single submitter. Criteria: GeneDx Variant Classification (06012015). Collection method: clinical testing. Allele origin: germline. Affected: yes.
Comment: This variant is considered likely benign or benign based on one or more of the following criteria: it is a conservative change, it occurs at a poorly conserved position in the protein, it is predicted to be benign by multiple in silico algorithms, and/or has population frequency not consistent with disease.

Breakthrough Genomics
Classification: Likely benign. Review status: criteria provided, single submitter. Criteria: ACMG Guidelines, 2015. Collection method: not provided. Allele origin: germline. Inheritance: Autosomal recessive inheritance. Affected: yes.